The following is an entry in ClinVar:

ClinVar aggregate classification (germline): Pathogenic (1 of 4 stars; one submission).

Submission:

Quest Diagnostics Nichols Institute San Juan Capistrano
Classification: Pathogenic. Last evaluated: 2022-07-12. Review status: criteria provided, single submitter. Criteria: ACMG/ClinGen CNV Guidelines, 2019. Collection method: clinical testing. Allele origin: unknown.
Comment: The copy number loss of 1p13.3p13.1 involves numerous protein-coding genes. Hemizygous deletions of the 1p13.2 region have been identified in individuals with Noonan syndrome 6 (OMIM 613224, Linhares 2016, Fitzgibbon 2009). There are no similar copy number losses of this region in the general populations of the Database of Genomic Variants. Thus, the classification of this copy number variant (CNV) is pathogenic. References: Fitzgibbon et al., Dev Med Child Neurol. 2009 Oct;51(10):833-7. PMID: 19183217 Linhares et al., Genet Mol Biol. Jul-Sep 2016;39(3):349-57. PMID: 27561113

GRCh37/hg19 1p13.3-13.1(chr1:110066946-116672408)x1

Genes: ADORA3 (adenosine A3 receptor; minus strand), AHCYL1 (adenosylhomocysteinase like 1; plus strand), ALX3 (ALX homeobox 3; minus strand), AMPD1 (adenosine monophosphate deaminase 1; minus strand), AMPD2 (adenosine monophosphate deaminase 2; plus strand) and 74 more. Cytogenetic location: 1p13.3-13.1.
Variant type: copy number loss.
Change: copy number 1 (one copy instead of two) of chr1:110,066,946-116,672,408 (6.61 Mb, GRCh37 coordinates, 1-based), cytogenetic band 1p13.3-13.1.
Identifiers: ClinVar variation 2685577 (VCV002685577.1).